The following is an entry in ClinVar:

ClinVar aggregate classification (germline): Benign/Likely benign. Review status: criteria provided, multiple submitters, no conflicts (2 of 4 stars). 2 submissions from 2 submitters: Benign (1); Likely benign (1). Last evaluated 2026-04-22.

Conditions:
Colorectal cancer, susceptibility to, 1. Also called: COLORECTAL ADENOMA AND CANCER, SUSCEPTIBILITY TO; COLORECTAL CANCER, SUSCEPTIBILITY TO, ON CHROMOSOME 9. Identifiers: MedGen C1837315, MONDO:0012132, OMIM 608812.

Submissions (2):

Myriad Genetics, Inc.
Classification: Benign for Colorectal cancer, susceptibility to, 1. Last evaluated: 2026-04-22. Review status: criteria provided, single submitter. Criteria: Myriad Autosomal Dominant, Autosomal Recessive and X-Linked Classification Criteria (2023). Collection method: clinical testing. Allele origin: unknown.
Comment: This variant is considered benign. This variant is a silent/synonymous amino acid change and it is not expected to impact splicing.

Ambry Genetics
Classification: Likely benign. Last evaluated: 2020-10-29. Review status: criteria provided, single submitter. Criteria: Ambry Variant Classification Scheme 2023. Collection method: clinical testing. Allele origin: germline.

NM_024642.5(GALNT12):c.9G>T (p.Gly3=)

Gene: GALNT12 (polypeptide N-acetylgalactosaminyltransferase 12; plus strand). Cytogenetic location: 9q22.33.
Variant type: single nucleotide variant.
Coding change: c.9G>T on transcript NM_024642.5 (MANE Select); coding-DNA position 9, G replaced by T.
Protein change: p.Gly3=; no amino-acid change (glycine 3 retained).
Molecular consequence: synonymous variant.
Genome position (GRCh38, 1-based): chr9:98,807,707, G>T. VCF-style: chr9-98807707-G-T. GRCh37 (hg19) VCF-style: chr9-101569989-G-T.
Identifiers: ClinVar variation 1768942 (VCV001768942.3), dbSNP rs2490454527, ClinGen allele CA466423641.